The following is an entry in ClinVar:

ClinVar aggregate classification (germline): Conflicting classifications of pathogenicity. Review status: criteria provided, conflicting classifications (1 of 4 stars). 2 submissions from 2 submitters: Uncertain significance (1); Benign (1). Last evaluated 2023-10-12.

Allele frequency attached by ClinVar (database versions not stated): TOPMed 0.00009; ExAC 0.00011; 1000 Genomes Project 30x 0.00031; 1000 Genomes Project 0.00040.
gnomAD v4.1: 50 of 1,614,014 alleles (0.0031%); highest among the groups gnomAD compares: East Asian, 0.053%; no homozygotes.

Submissions (2):

Blueprint Genetics
Classification: Benign. Last evaluated: 2023-10-12. Review status: criteria provided, single submitter. Criteria: ACMG Guidelines, 2015. Collection method: clinical testing. Allele origin: germline.

Labcorp Genetics (formerly Invitae), Labcorp
Classification: Uncertain significance. Last evaluated: 2022-10-18. Review status: criteria provided, single submitter. Criteria: Invitae Variant Classification Sherloc (09022015). Collection method: clinical testing. Allele origin: germline.
Comment: This sequence change replaces asparagine, which is neutral and polar, with serine, which is neutral and polar, at codon 153 of the KIAA1549 protein (p.Asn153Ser). This variant is present in population databases (rs577561839, gnomAD 0.1%). This variant has not been reported in the literature in individuals affected with KIAA1549-related conditions. ClinVar contains an entry for this variant (Variation ID: 858077). Algorithms developed to predict the effect of missense changes on protein structure and function are either unavailable or do not agree on the potential impact of this missense change (SIFT: "Deleterious"; PolyPhen-2: "Benign"; Align-GVGD: "Class C0"). In summary, the available evidence is currently insufficient to determine the role of this variant in disease. Therefore, it has been classified as a Variant of Uncertain Significance.

NM_001164665.2(KIAA1549):c.458A>G (p.Asn153Ser)

Gene: KIAA1549 (KIAA1549; minus strand). Cytogenetic location: 7q34.
Variant type: single nucleotide variant.
Coding change: c.458A>G on transcript NM_001164665.2 (MANE Select); coding-DNA position 458, A replaced by G.
Protein change: p.Asn153Ser; replaces asparagine 153 with serine.
Molecular consequence: missense variant.
Genome position (GRCh38, 1-based): chr7:138,919,168, T>C on the plus strand (A>G on the coding strand, the complement: KIAA1549 is on the minus strand). VCF-style: chr7-138919168-T-C. GRCh37 (hg19) VCF-style: chr7-138603914-T-C.
Other names: c.458A>G, p.Asn153Ser (NM_020910.3); short protein forms N153S.
Identifiers: ClinVar variation 858077 (VCV000858077.7), dbSNP rs577561839, ClinGen allele CA4506942.
Genomic context (GRCh38, chr7:138,919,168, plus strand): 5'-GAAACCATCCGTGGAGTGGTCCAGTGAGTATCTGGCAGAAAGTTATCCATCTCATCGTCA[T>C]TGACGGCCACCTCTTTACTCGTCACTGACACGTAAGTTGCCACAAAGATGCTGGGATCTG-3'
Protein context (NP_001158137.1, residues 143-163): VSVTSKEVAV[Asn153Ser]DDEMDNFLPD